The following is an entry in ClinVar:

NM_001330078.2(NRXN1):c.2498-37G>T

Gene: NRXN1 (neurexin 1; minus strand). Cytogenetic location: 2p16.3.
Variant type: single nucleotide variant.
Coding change: c.2498-37G>T on transcript NM_001330078.2 (MANE Select); 37 bases into the intron before coding-DNA position 2498, G replaced by T.
Molecular consequence: intron variant.
Genome position (GRCh38, 1-based): chr2:50,497,751, C>A on the plus strand (G>T on the coding strand, the complement: NRXN1 is on the minus strand). VCF-style: chr2-50497751-C-A. GRCh37 (hg19) VCF-style: chr2-50724889-C-A.
Other names: c.2387-37G>T (NM_001330096.2, NM_001330087.2); c.2432-37G>T (NM_001330083.2, NM_001330084.2); c.2417-37G>T (NM_001330088.2); c.2495-37G>T (NM_001330093.2); c.2486-37G>T (NM_001330094.2); c.2447-37G>T (NM_001330095.2); c.2474-37G>T (NM_001330082.2, NM_001330077.2); c.2471-37G>T (NM_001330085.2); and 2 more.
Identifiers: ClinVar variation 670914 (VCV000670914.1), dbSNP rs79114854, ClinGen allele CA1654785.

ClinVar aggregate classification (germline): Likely benign (1 of 4 stars; one submission).

Allele frequency attached by ClinVar (database versions not stated): gnomAD exomes 0.00219; ExAC 0.00244; 1000 Genomes Project 30x 0.00687; 1000 Genomes Project 0.00759; gnomAD 0.00767 and 0.00831; TOPMed 0.00835; ESP Exome Variant Server 0.00860.
gnomAD v4.1: 2,242 of 1,542,532 alleles (0.15%); highest among the groups gnomAD compares: African/African-American, 2.5%; 20 homozygotes.

Submission:

GeneDx
Classification: Likely benign. Last evaluated: 2018-06-19. Review status: criteria provided, single submitter. Criteria: GeneDx Variant Classification (06012015). Collection method: clinical testing. Allele origin: germline. Affected: yes.
Comment: This variant is considered likely benign or benign based on one or more of the following criteria: it is a conservative change, it occurs at a poorly conserved position in the protein, it is predicted to be benign by multiple in silico algorithms, and/or has population frequency not consistent with disease.